The following is an entry in ClinVar:

ClinVar aggregate classification (germline): Uncertain significance (1 of 4 stars; one submission).

Conditions:
Autosomal dominant childhood-onset proximal spinal muscular atrophy with contractures (SMALED2A). Also called: SPINAL MUSCULAR ATROPHY, LOWER EXTREMITY-PREDOMINANT, 2A, CHILDHOOD ONSET, AUTOSOMAL DOMINANT; Spinal muscular atrophy, lower extremity-predominant, 2A, autosomal dominant. Identifiers: Orphanet 363447, Orphanet 363454, MedGen C4747715, MONDO:0014121, OMIM 615290.

Allele frequency attached by ClinVar (database versions not stated): gnomAD exomes below 0.00001.
gnomAD v4.1: 1 of 1,614,198 alleles (0.000062%); highest among the groups gnomAD compares: Non-Finnish European, 0.000085%; no homozygotes.

Submission:

Labcorp Genetics (formerly Invitae), Labcorp
Classification: Uncertain significance for Autosomal dominant childhood-onset proximal spinal muscular atrophy with contractures. Last evaluated: 2025-09-08. Review status: criteria provided, single submitter. Criteria: Invitae Variant Classification Sherloc (09022015). Collection method: clinical testing. Allele origin: germline.
Comment: This sequence change replaces histidine, which is basic and polar, with tyrosine, which is neutral and polar, at codon 305 of the BICD2 protein (p.His305Tyr). This variant is not present in population databases (gnomAD no frequency). This variant has not been reported in the literature in individuals affected with BICD2-related conditions. ClinVar contains an entry for this variant (Variation ID: 1911213). Invitae Evidence Modeling of protein sequence and biophysical properties (such as structural, functional, and spatial information, amino acid conservation, physicochemical variation, residue mobility, and thermodynamic stability) indicates that this missense variant is not expected to disrupt BICD2 protein function with a negative predictive value of 80%. In summary, the available evidence is currently insufficient to determine the role of this variant in disease. Therefore, it has been classified as a Variant of Uncertain Significance.

NM_001003800.2(BICD2):c.913C>T (p.His305Tyr)

Gene: BICD2 (BICD cargo adaptor 2; minus strand). Cytogenetic location: 9q22.31.
Variant type: single nucleotide variant.
Coding change: c.913C>T on transcript NM_001003800.2 (MANE Select); coding-DNA position 913, C replaced by T.
Protein change: p.His305Tyr; replaces histidine 305 with tyrosine.
Molecular consequence: missense variant.
Genome position (GRCh38, 1-based): chr9:92,720,449, G>A on the plus strand (C>T on the coding strand, the complement: BICD2 is on the minus strand). VCF-style: chr9-92720449-G-A. GRCh37 (hg19) VCF-style: chr9-95482731-G-A.
Other names: c.913C>T, p.His305Tyr (NM_015250.4); short protein forms H305Y.
Identifiers: ClinVar variation 1911213 (VCV001911213.5), dbSNP rs2490451550, ClinGen allele CA374042992.
Genomic context (GRCh38, chr9:92,720,449, plus strand): 5'-GGCCCTCCTTCTTGGGCGTGGAGGTCTTGTTGTCCAGTGGCAGCTTGGCCAGGCCGCCGT[G>A]CTCAAAGCCATTGACCAGGGCCTCGGCATCGTTGTTGGGCTCGGCAGCATCGTCACTGAA-3'
Protein context (NP_001003800.1, residues 295-315): DAEALVNGFE[His305Tyr]GGLAKLPLDN